The following is an entry in ClinVar:

ClinVar aggregate classification (germline): Uncertain significance. Review status: criteria provided, multiple submitters, no conflicts (2 of 4 stars). 2 submissions from 2 submitters: Uncertain significance (2). Last evaluated 2025-12-10.

Conditions:
Hereditary cancer-predisposing syndrome. Also called: Tumor predisposition; Neoplastic Syndromes, Hereditary; Hereditary neoplastic syndrome; Hereditary Cancer Syndrome. Identifiers: Orphanet 140162, MedGen C0027672, MeSH D009386, MONDO:0015356.
Familial cancer of breast. Also called: hereditary breast carcinoma; Hereditary breast cancer; BREAST CANCER, FAMILIAL. Identifiers: Orphanet 227535, MedGen C0346153, MONDO:0016419, OMIM 114480. Disease mechanism: loss of function.
Fanconi anemia complementation group J. Also called: BRIP1-Related Fanconi Anemia. Identifiers: Orphanet 84, MedGen C1836860, MONDO:0012187, OMIM 609054.

Submissions (2):

Labcorp Genetics (formerly Invitae), Labcorp
Classification: Uncertain significance for Familial cancer of breast; Fanconi anemia complementation group J. Last evaluated: 2025-12-10. Review status: criteria provided, single submitter. Criteria: Invitae Variant Classification Sherloc (09022015). Collection method: clinical testing. Allele origin: germline.
Comment: This sequence change replaces proline, which is neutral and non-polar, with leucine, which is neutral and non-polar, at codon 368 of the BRIP1 protein (p.Pro368Leu). This variant is not present in population databases (gnomAD no frequency). This variant has not been reported in the literature in individuals affected with BRIP1-related conditions. ClinVar contains an entry for this variant (Variation ID: 2089179). Invitae Evidence Modeling of protein sequence and biophysical properties (such as structural, functional, and spatial information, amino acid conservation, physicochemical variation, residue mobility, and thermodynamic stability) has been performed for this missense variant. However, the output from this modeling did not meet the statistical confidence thresholds required to predict the impact of this variant on BRIP1 protein function. In summary, the available evidence is currently insufficient to determine the role of this variant in disease. Therefore, it has been classified as a Variant of Uncertain Significance.

Ambry Genetics
Classification: Uncertain significance for Hereditary cancer-predisposing syndrome. Last evaluated: 2025-06-18. Review status: criteria provided, single submitter. Criteria: Ambry Variant Classification Scheme 2023. Collection method: clinical testing. Allele origin: germline.
Comment: The p.P368L variant (also known as c.1103C>T), located in coding exon 7 of the BRIP1 gene, results from a C to T substitution at nucleotide position 1103. The proline at codon 368 is replaced by leucine, an amino acid with similar properties. This amino acid position is highly conserved in available vertebrate species. In addition, this alteration is predicted to be deleterious by in silico analysis. Based on the available evidence, the clinical significance of this variant remains unclear.

NM_032043.3(BRIP1):c.1103C>T (p.Pro368Leu)

Gene: BRIP1 (BRCA1 interacting DNA helicase 1; minus strand). Cytogenetic location: 17q23.2.
Variant type: single nucleotide variant.
Coding change: c.1103C>T on transcript NM_032043.3 (MANE Select); coding-DNA position 1103, C replaced by T.
Protein change: p.Pro368Leu; replaces proline 368 with leucine.
Molecular consequence: missense variant.
Genome position (GRCh38, 1-based): chr17:61,801,290, G>A on the plus strand (C>T on the coding strand, the complement: BRIP1 is on the minus strand). VCF-style: chr17-61801290-G-A. GRCh37 (hg19) VCF-style: chr17-59878651-G-A.
Other names: short protein forms P368L.
Identifiers: ClinVar variation 2089179 (VCV002089179.5), dbSNP rs1064793072, ClinGen allele CA400483923.
Genomic context (GRCh38, chr17:61,801,290, plus strand): 5'-CTCATTTTTACACATATACTCACACTTTCCCTTATTTGTGCATCTAGAAGATAGTTGTAG[G>A]GACAAAATATGATGTCAGCATCTTGTATTAGTTCTCGGGCTGTGTAATATGGACAGGCCT-3'
Protein context (NP_114432.2, residues 358-378): LIQDADIIFC[Pro368Leu]YNYLLDAQIR